The following is an entry in ClinVar:

NM_018082.6(POLR3B):c.2451A>G (p.Pro817=)

Gene: POLR3B (RNA polymerase III subunit B; plus strand). Cytogenetic location: 12q23.3.
Variant type: single nucleotide variant.
Coding change: c.2451A>G on transcript NM_018082.6 (MANE Select); coding-DNA position 2451, A replaced by G.
Protein change: p.Pro817=; no amino-acid change (proline 817 retained).
Molecular consequence: synonymous variant.
Genome position (GRCh38, 1-based): chr12:106,457,295, A>G. VCF-style: chr12-106457295-A-G. GRCh37 (hg19) VCF-style: chr12-106851073-A-G.
Other names: c.2277A>G, p.Pro759= (NM_001160708.2); c.2451A>G (NM_018082.5).
Identifiers: ClinVar variation 1477332 (VCV001477332.9), dbSNP rs2037877873, ClinGen allele CA481646098.

ClinVar aggregate classification (germline): Uncertain significance. Review status: criteria provided, multiple submitters, no conflicts (2 of 4 stars). 2 submissions from 2 submitters: Uncertain significance (2). Last evaluated 2025-02-07.

Conditions:
POLR3B-related disorder. Also called: POLR3B-related condition; POLR3B-related disorders. Identifiers: MedGen CN378588, MONDO:0700277.

Allele frequency attached by ClinVar (database versions not stated): TOPMed below 0.00001.

Submissions (2):

PreventionGenetics, part of Exact Sciences
Classification: Uncertain significance for POLR3B-related condition. Last evaluated: 2025-02-07. Review status: criteria provided, single submitter. Criteria: ACMG Guidelines, 2015. Collection method: clinical testing. Allele origin: germline.
Comment: The POLR3B c.2451A>G variant is not predicted to result in an amino acid change (p.=). This variant is predicted to alter splicing (SpliceAI, Jaganathan K, et al. 2019. PubMed ID: 30661751). To our knowledge, this variant has not been reported in the literature or in a large population database (gnomAD), indicating it is rare. At this time, the clinical significance of this variant is uncertain due to the absence of conclusive functional and genetic evidence.

Labcorp Genetics (formerly Invitae), Labcorp
Classification: Uncertain significance. Last evaluated: 2022-08-31. Review status: criteria provided, single submitter. Criteria: Invitae Variant Classification Sherloc (09022015). Collection method: clinical testing. Allele origin: germline.
Comment: In summary, the available evidence is currently insufficient to determine the role of this variant in disease. Therefore, it has been classified as a Variant of Uncertain Significance. Algorithms developed to predict the effect of sequence changes on RNA splicing suggest that this variant may create or strengthen a splice site. ClinVar contains an entry for this variant (Variation ID: 1477332). This variant has not been reported in the literature in individuals affected with POLR3B-related conditions. This variant is not present in population databases (gnomAD no frequency). This sequence change affects codon 817 of the POLR3B mRNA. It is a 'silent' change, meaning that it does not change the encoded amino acid sequence of the POLR3B protein. It affects a nucleotide within the consensus splice site.